The following is an entry in ClinVar:

NM_032383.5(HPS3):c.867del (p.Gln290fs)

Gene: HPS3 (HPS3 biogenesis of lysosomal organelles complex 2 subunit 1; plus strand). Cytogenetic location: 3q24.
Variant type: Deletion.
Coding change: c.867del on transcript NM_032383.5 (MANE Select); coding-DNA position 867, one base deleted (T; older notation c.867delT).
Protein change: p.Gln290fs; shifts the reading frame from glutamine 290.
Molecular consequence: frameshift variant.
Genome position (GRCh38, 1-based): chr3:149,141,171, T deleted; the last of 3 consecutive T bases (chr3:149,141,169-149,141,171); deleting any one gives the same sequence. VCF-style (leftmost placement, unchanged base first): chr3-149141168-CT-C. GRCh37 (hg19) VCF-style: chr3-148858955-CT-C.
Other names: c.372del, p.Gln125fs (NM_001308258.2); short protein forms Q125fs, Q290fs.
Identifiers: ClinVar variation 2855337 (VCV002855337.3), dbSNP rs2473072828, ClinGen allele CA2739279555.

ClinVar aggregate classification (germline): Pathogenic (1 of 4 stars; one submission).

Submission:

Labcorp Genetics (formerly Invitae), Labcorp
Classification: Pathogenic. Last evaluated: 2023-04-12. Review status: criteria provided, single submitter. Criteria: Invitae Variant Classification Sherloc (09022015). Collection method: clinical testing. Allele origin: germline.
Comment: This sequence change creates a premature translational stop signal (p.Gln290Serfs*51) in the HPS3 gene. It is expected to result in an absent or disrupted protein product. Loss-of-function variants in HPS3 are known to be pathogenic (PMID: 11590544). For these reasons, this variant has been classified as Pathogenic. This variant has not been reported in the literature in individuals affected with HPS3-related conditions. This variant is not present in population databases (gnomAD no frequency).

Literature cited by the submitters: PubMed 11590544.